The following is an entry in ClinVar:

NM_006506.5(RASA2):c.2250A>G (p.Ile750Met)

Gene: RASA2 (RAS p21 protein activator 2; plus strand). Cytogenetic location: 3q23.
Variant type: single nucleotide variant.
Coding change: c.2250A>G on transcript NM_006506.5 (MANE Select); coding-DNA position 2250, A replaced by G.
Protein change: p.Ile750Met; replaces isoleucine 750 with methionine.
Molecular consequence: missense variant.
Genome position (GRCh38, 1-based): chr3:141,609,444, A>G. VCF-style: chr3-141609444-A-G. GRCh37 (hg19) VCF-style: chr3-141328286-A-G.
Other names: c.2253A>G, p.Ile751Met (NM_001303245.3); c.2262A>G, p.Ile754Met (NM_001303246.3); short protein forms I750M, I754M, I751M.
Identifiers: ClinVar variation 1448645 (VCV001448645.6), dbSNP rs2107802687, ClinGen allele CA354776544.

ClinVar aggregate classification (germline): Uncertain significance (1 of 4 stars; one submission).

Submission:

Labcorp Genetics (formerly Invitae), Labcorp
Classification: Uncertain significance. Last evaluated: 2022-07-19. Review status: criteria provided, single submitter. Criteria: Invitae Variant Classification Sherloc (09022015). Collection method: clinical testing. Allele origin: germline.
Comment: ClinVar contains an entry for this variant (Variation ID: 1448645). In summary, the available evidence is currently insufficient to determine the role of this variant in disease. Therefore, it has been classified as a Variant of Uncertain Significance. Algorithms developed to predict the effect of missense changes on protein structure and function (SIFT, PolyPhen-2, Align-GVGD) all suggest that this variant is likely to be tolerated. This variant has not been reported in the literature in individuals affected with RASA2-related conditions. This variant is not present in population databases (gnomAD no frequency). This sequence change replaces isoleucine, which is neutral and non-polar, with methionine, which is neutral and non-polar, at codon 750 of the RASA2 protein (p.Ile750Met).